The following is an entry in ClinVar:

NM_018136.5(ASPM):c.10222C>T (p.His3408Tyr)

Gene: ASPM (assembly factor for spindle microtubules; minus strand). Cytogenetic location: 1q31.3.
Variant type: single nucleotide variant.
Coding change: c.10222C>T on transcript NM_018136.5 (MANE Select); coding-DNA position 10222, C replaced by T.
Protein change: p.His3408Tyr; replaces histidine 3408 with tyrosine.
Molecular consequence: missense variant.
Genome position (GRCh38, 1-based): chr1:197,086,912, G>A on the plus strand (C>T on the coding strand, the complement: ASPM is on the minus strand). VCF-style: chr1-197086912-G-A. GRCh37 (hg19) VCF-style: chr1-197056042-G-A.
Other names: c.5467C>T, p.His1823Tyr (NM_001206846.2); short protein forms H1823Y, H3408Y.
Identifiers: ClinVar variation 1345972 (VCV001345972.9), dbSNP rs761768584, ClinGen allele CA1308762.

ClinVar aggregate classification (germline): Uncertain significance. Review status: criteria provided, multiple submitters, no conflicts (2 of 4 stars). 3 submissions from 3 submitters: Uncertain significance (3). Last evaluated 2023-04-11.

Conditions:
Microcephaly 5, primary, autosomal recessive (MCPH5). Also called: ASPM Primary Microcephaly. Identifiers: Orphanet 2512, MedGen C1837501, MONDO:0012106, OMIM 608716.

Allele frequency attached by ClinVar (database versions not stated): ExAC 0.00003; gnomAD exomes 0.00004 and 0.00011; gnomAD 0.00006; TOPMed 0.00006.
gnomAD v4.1: 163 of 1,611,278 alleles (0.01%); highest among the groups gnomAD compares: Non-Finnish European, 0.013%; no homozygotes.

Submissions (3):

Genome-Nilou Lab
Classification: Uncertain significance for Microcephaly 5, primary, autosomal recessive. Last evaluated: 2023-04-11. Review status: criteria provided, single submitter. Criteria: ACMG Guidelines, 2015. Collection method: clinical testing. Allele origin: germline. Affected: no.

Labcorp Genetics (formerly Invitae), Labcorp
Classification: Uncertain significance. Last evaluated: 2022-03-03. Review status: criteria provided, single submitter. Criteria: Invitae Variant Classification Sherloc (09022015). Collection method: clinical testing. Allele origin: germline.
Comment: In summary, the available evidence is currently insufficient to determine the role of this variant in disease. Therefore, it has been classified as a Variant of Uncertain Significance. Algorithms developed to predict the effect of missense changes on protein structure and function (SIFT, PolyPhen-2, Align-GVGD) all suggest that this variant is likely to be tolerated. This variant has not been reported in the literature in individuals affected with ASPM-related conditions. This variant is present in population databases (rs761768584, gnomAD 0.01%). This sequence change replaces histidine, which is basic and polar, with tyrosine, which is neutral and polar, at codon 3408 of the ASPM protein (p.His3408Tyr).

Fulgent Genetics
Classification: Uncertain significance for Microcephaly 5, primary, autosomal recessive. Last evaluated: 2021-09-16. Review status: criteria provided, single submitter. Criteria: ACMG Guidelines, 2015. Collection method: clinical testing. Allele origin: unknown.